The following is an entry in ClinVar:

ClinVar aggregate classification (germline): Uncertain significance (1 of 4 stars; one submission).

Conditions:
Catecholaminergic polymorphic ventricular tachycardia (CVPT). Also called: Catecholamine-induced polymorphic ventricular tachycardia. Identifiers: Orphanet 3286, MedGen C5574922, MONDO:0017990.

Submission:

All of Us Research Program, National Institutes of Health
Classification: Uncertain significance for Catecholaminergic polymorphic ventricular tachycardia. Last evaluated: 2023-11-20. Review status: criteria provided, single submitter. Criteria: ACMG Guidelines, 2015. Collection method: clinical testing. Allele origin: germline. Inheritance: Autosomal dominant inheritance. Observed: 1 variant allele, 1 heterozygote.
Comment: This missense variant replaces histidine with asparagine at codon 1171 of the RYR2 protein. Computational prediction suggests that this variant may not impact protein structure and function (internally defined REVEL score threshold <= 0.5, PMID: 27666373). To our knowledge, functional studies have not been reported for this variant. This variant has not been reported in individuals affected with RYR2-related disorders in the literature. This variant has not been identified in the general population by the Genome Aggregation Database (gnomAD). The available evidence is insufficient to determine the role of this variant in disease conclusively. Therefore, this variant is classified as a Variant of Uncertain Significance.

This study involves interpretation of variants in research participants for the purpose of population health screening. Participant phenotype was not available at the time of variant classification. Additional details can be found in publication PMID: 35346344, PMCID: PMC8962531

NM_001035.3(RYR2):c.3511C>A (p.His1171Asn)

Gene: RYR2 (ryanodine receptor 2; plus strand). Cytogenetic location: 1q43.
Variant type: single nucleotide variant.
Coding change: c.3511C>A on transcript NM_001035.3 (MANE Select); coding-DNA position 3511, C replaced by A.
Protein change: p.His1171Asn; replaces histidine 1171 with asparagine.
Molecular consequence: missense variant.
Genome position (GRCh38, 1-based): chr1:237,569,232, C>A. VCF-style: chr1-237569232-C-A. GRCh37 (hg19) VCF-style: chr1-237732532-C-A.
Other names: short protein forms H1171N.
Identifiers: ClinVar variation 3074441 (VCV003074441.1), dbSNP rs2546447573, ClinGen allele CA345390386.
Genomic context (GRCh38, chr1:237,569,232, plus strand): 5'-CACTATGGGCGCTCTTGGCAAGCAGGCGATGTCGTGGGGTGTATGGTTGACATGAACGAA[C>A]ACACCATGATGTTCACACTGAATGGTGAAATCCTTCTTGATGATTCAGGCTCAGAACTGG-3'
Protein context (NP_001026.2, residues 1161-1181): VVGCMVDMNE[His1171Asn]TMMFTLNGEI